The following is an entry in ClinVar:

NM_004817.4(TJP2):c.551_568del (p.Ala184_Arg189del)

Gene: TJP2 (tight junction protein 2; plus strand). Cytogenetic location: 9q21.11.
Variant type: Deletion.
Coding change: c.551_568del on transcript NM_004817.4 (MANE Select); coding-DNA positions 551 to 568, 18 bases deleted (CCCGGAGCCGGGAGCGGG).
Protein change: p.Ala184_Arg189del.
Molecular consequence: inframe deletion.
Genome position (GRCh38, 1-based): chr9:69,221,095-69,221,112, CCCGGAGCCGGGAGCGGG deleted; deleting any 18 consecutive bases within chr9:69,221,088-69,221,112 gives the same sequence; the c. name uses the placement nearest the transcript's 3' end. VCF-style (leftmost placement, unchanged base first): chr9-69221087-TGAGCGGGCCCGGAGCCGG-T. GRCh37 (hg19) VCF-style: chr9-71836003-TGAGCGGGCCCGGAGCCGG-T.
Other names: c.482_499del, p.Ala161_Arg166del (NM_001170414.2, NM_001369870.1, NM_001369871.1); c.563_580del, p.Ala188_Arg193del (NM_001170415.1, NM_001369874.1, NM_001369875.1); c.644_661del, p.Ala215_Arg220del (NM_001170416.2); c.551_568del, p.Ala184_Arg189del (NM_001369872.1, NM_001369873.1, NM_201629.3).
Identifiers: ClinVar variation 3342623 (VCV003342623.2).
Genomic context (GRCh38, chr9:69,221,087, plus strand): 5'-GAACAGCCATGGGGGGCGCAGCCGCAGCTGGGAGGACAGCCCGGAAAGGGGGCGTCCCCA[TGAGCGGGCCCGGAGCCGG>T]GAGCGGGACCTCAGCCGGGACCGGAGCCGTGGCCGGAGCCTGGAGCGGGGCCTGGACCAA-3'

ClinVar aggregate classification (germline): Uncertain significance (1 of 4 stars; one submission).

Submission:

GeneDx
Classification: Uncertain significance. Last evaluated: 2025-05-12. Review status: criteria provided, single submitter. Criteria: GeneDx Variant Classification Process June 2021. Collection method: clinical testing. Allele origin: germline.
Comment: Identified in a patient with a suspected familial cancer in published literature (PMID: 34687117); In-frame deletion of 6 amino acids in a non-repeat region; Not observed at significant frequency in large population cohorts (gnomAD); In silico analysis supports a deleterious effect on protein structure/function; This variant is associated with the following publications: (PMID: 34687117)